The following is an entry in ClinVar:

ClinVar aggregate classification (germline): Likely benign (1 of 4 stars; one submission).

Conditions:
UDPglucose-4-epimerase deficiency. Also called: GALACTOSEMIA III; GALE DEFICIENCY; Epimerase Deficiency Galactosemia; UDPglucose 4-Epimerase Deficiency Disease; UDP-GALACTOSE-4-EPIMERASE DEFICIENCY; Galactose epimerase deficiency. Identifiers: Orphanet 352, Orphanet 79238, MedGen C0751161, MONDO:0009257, OMIM 230350.

Allele frequency attached by ClinVar (database versions not stated): gnomAD 0.00066 and 0.00089; TOPMed 0.00079; gnomAD exomes 0.00171; 1000 Genomes Project 30x 0.00344; 1000 Genomes Project 0.00379.

Submission:

Illumina Laboratory Services, Illumina
Classification: Likely benign for UDPglucose-4-epimerase deficiency. Last evaluated: 2018-01-13. Review status: criteria provided, single submitter. Criteria: ICSL Variant Classification Criteria 13 December 2019. Collection method: clinical testing. Allele origin: germline.
Comment: This variant was observed in the ICSL laboratory as part of a predisposition screen in an ostensibly healthy population. It had not been previously curated by ICSL or reported in the Human Gene Mutation Database (HGMD: prior to June 1st, 2018), and was therefore a candidate for classification through an automated scoring system. Utilizing variant allele frequency, disease prevalence and penetrance estimates, and inheritance mode, an automated score was calculated to assess if this variant is too frequent to cause the disease. Based on the score and internal cut-off values, a variant classified as likely benign is not then subjected to further curation. The score for this variant resulted in a classification of likely benign for this disease.

NM_001008216.2(GALE):c.*195T>C

Gene: GALE (UDP-galactose-4-epimerase; minus strand). Cytogenetic location: 1p36.11.
Variant type: single nucleotide variant.
Coding change: c.*195T>C on transcript NM_001008216.2 (MANE Select); 195 bases downstream of the stop codon, T replaced by C.
Molecular consequence: 3 prime UTR variant.
Genome position (GRCh38, 1-based): chr1:23,795,754, A>G on the plus strand (T>C on the coding strand, the complement: GALE is on the minus strand). VCF-style: chr1-23795754-A-G. GRCh37 (hg19) VCF-style: chr1-24122244-A-G.
Other names: c.*195T>C (NM_000403.4, NM_001127621.2).
Identifiers: ClinVar variation 875983 (VCV000875983.4), dbSNP rs78587342, ClinGen allele CA19276269.